The following is an entry in ClinVar:

ClinVar aggregate classification (germline): Uncertain significance (1 of 4 stars; one submission).

Conditions:
Neurofibromatosis, familial spinal (FSNF). Identifiers: Orphanet 636, MedGen C1834235, MONDO:0008078, OMIM 162210. Disease mechanism: loss of function.
Juvenile myelomonocytic leukemia (JMML). Also called: LEUKEMIA, JUVENILE MYELOMONOCYTIC, SOMATIC. Identifiers: Orphanet 86834, MedGen C0349639, MONDO:0011908, OMIM 607785, HP:0012209.
Neurofibromatosis-Noonan syndrome (NFNS). Also called: NEUROFIBROMATOSIS WITH NOONAN PHENOTYPE. Identifiers: Orphanet 638, MedGen C2931482, MONDO:0011035, OMIM 601321. Disease mechanism: loss of function.
Café-au-lait macules with pulmonary stenosis (WTSN). Also called: PULMONIC STENOSIS WITH CAFE-AU-LAIT SPOTS. Identifiers: MedGen C0553586, MONDO:0008672, OMIM 193520.
Neurofibromatosis, type 1 (NF1). Also called: Neurofibromatosis, type I; NEUROFIBROMATOSIS, TYPE I, SOMATIC; VON RECKLINGHAUSEN DISEASE; Peripheral type neurofibromatosis. Identifiers: Orphanet 636, MedGen C0027831, MONDO:0018975, OMIM 162200. Disease mechanism: loss of function.

Submission:

Center for Genomics, Ann and Robert H. Lurie Children's Hospital of Chicago
Classification: Uncertain significance for Café-au-lait macules with pulmonary stenosis; Juvenile myelomonocytic leukemia; Neurofibromatosis, familial spinal; Neurofibromatosis, type 1; Neurofibromatosis-Noonan syndrome. Review status: criteria provided, single submitter. Criteria: ACMG Guidelines, 2015. Collection method: clinical testing. Allele origin: germline.
Comment: NF1 NM_000267.3 exon 38 p.Gln1814Lys (c.5440C>A): This variant has not been reported in the literature and is not present in large control databases. Evolutionary conservation and computational predictive tools for this variant are unclear. In summary, data on this variant is insufficient for disease classification. Therefore, the clinical significance of this variant is uncertain.

NM_001042492.3(NF1):c.5503C>A (p.Gln1835Lys)

Gene: NF1 (neurofibromin 1; plus strand). Cytogenetic location: 17q11.2.
Variant type: single nucleotide variant.
Coding change: c.5503C>A on transcript NM_001042492.3 (MANE Select); coding-DNA position 5503, C replaced by A.
Protein change: p.Gln1835Lys; replaces glutamine 1835 with lysine.
Molecular consequence: missense variant.
Genome position (GRCh38, 1-based): chr17:31,327,733, C>A. VCF-style: chr17-31327733-C-A. GRCh37 (hg19) VCF-style: chr17-29654751-C-A.
Other names: c.5440C>A, p.Gln1814Lys (NM_000267.4); short protein forms Q1814K, Q1835K.
Identifiers: ClinVar variation 1675105 (VCV001675105.3), dbSNP rs786202177, ClinGen allele CA399009628.
Genomic context (GRCh38, chr17:31,327,733, plus strand): 5'-CAGGAGTGTGAAGCCATTGTCCAGTCTATCATTCATATCCGGACCCGCTGGGAACTGTCA[C>A]AGCCCGACTCTATCCCCCAACACACCAAGATTCGGCCAAAAGATGTCCCTGGGACACTGC-3'
Protein context (NP_001035957.1, residues 1825-1845): IHIRTRWELS[Gln1835Lys]PDSIPQHTKI